The following is an entry in ClinVar:

NM_000368.5(TSC1):c.2206A>G (p.Met736Val)

Gene: TSC1 (TSC complex subunit 1; minus strand). Cytogenetic location: 9q34.13.
Variant type: single nucleotide variant.
Coding change: c.2206A>G on transcript NM_000368.5 (MANE Select); coding-DNA position 2206, A replaced by G.
Protein change: p.Met736Val; replaces methionine 736 with valine.
Molecular consequence: missense variant. On other transcripts: non-coding transcript variant (4).
Genome position (GRCh38, 1-based): chr9:132,903,653, T>C on the plus strand (A>G on the coding strand, the complement: TSC1 is on the minus strand). VCF-style: chr9-132903653-T-C. GRCh37 (hg19) VCF-style: chr9-135779040-T-C.
Other names: c.2191A>G, p.Met731Val (NM_001406602.1, NM_001406601.1); c.2188A>G, p.Met730Val (NM_001406603.1, NM_001406604.1); c.2206A>G, p.Met736Val (NM_001406605.1, NM_001406606.1, NM_001406607.1 and 5 more transcripts); c.2203A>G, p.Met735Val (NM_001406608.1, NM_001406609.1, NM_001162426.2 and 4 more transcripts); c.2053A>G, p.Met685Val (NM_001406610.1, NM_001162427.2); c.1843A>G, p.Met615Val (NM_001362177.2, NM_001406624.1, NM_001406614.1 and 5 more transcripts); c.1840A>G, p.Met614Val (NM_001406621.1, NM_001406622.1, NM_001406623.1 and 2 more transcripts); c.1255A>G, p.Met419Val (NM_001406626.1); and 3 more; short protein forms M614V, M419V, M684V, M730V, M735V, M385V, M615V, M685V.
Identifiers: ClinVar variation 3462468 (VCV003462468.3).

ClinVar aggregate classification (germline): Uncertain significance. Review status: criteria provided, multiple submitters, no conflicts (2 of 4 stars). 2 submissions from 2 submitters: Uncertain significance (2). Last evaluated 2025-08-27.

Conditions:
Tuberous sclerosis 1 (TSC1). Identifiers: Orphanet 805, MedGen C1854465, MONDO:0008612, OMIM 191100.
Hereditary cancer-predisposing syndrome. Also called: Hereditary Cancer Syndrome; Hereditary neoplastic syndrome; Neoplastic Syndromes, Hereditary; Tumor predisposition. Identifiers: Orphanet 140162, MedGen C0027672, MeSH D009386, MONDO:0015356.

Submissions (2):

Labcorp Genetics (formerly Invitae), Labcorp
Classification: Uncertain significance for Tuberous sclerosis 1. Last evaluated: 2025-08-27. Review status: criteria provided, single submitter. Criteria: Invitae Variant Classification Sherloc (09022015). Collection method: clinical testing. Allele origin: germline.
Comment: This sequence change replaces methionine, which is neutral and non-polar, with valine, which is neutral and non-polar, at codon 736 of the TSC1 protein (p.Met736Val). This variant is not present in population databases (gnomAD no frequency). This variant has not been reported in the literature in individuals affected with TSC1-related conditions. ClinVar contains an entry for this variant (Variation ID: 3462468). Invitae Evidence Modeling of protein sequence and biophysical properties (such as structural, functional, and spatial information, amino acid conservation, physicochemical variation, residue mobility, and thermodynamic stability) indicates that this missense variant is not expected to disrupt TSC1 protein function with a negative predictive value of 95%. In summary, the available evidence is currently insufficient to determine the role of this variant in disease. Therefore, it has been classified as a Variant of Uncertain Significance.

Ambry Genetics
Classification: Uncertain significance for Hereditary cancer-predisposing syndrome. Last evaluated: 2024-09-10. Review status: criteria provided, single submitter. Criteria: Ambry Variant Classification Scheme 2023. Collection method: clinical testing. Allele origin: germline.
Comment: The p.M736V variant (also known as c.2206A>G), located in coding exon 15 of the TSC1 gene, results from an A to G substitution at nucleotide position 2206. The methionine at codon 736 is replaced by valine, an amino acid with highly similar properties. This amino acid position is conserved. In addition, this alteration is predicted to be deleterious by in silico analysis. Based on the available evidence, the clinical significance of this variant remains unclear.